The following is an entry in ClinVar:

ClinVar aggregate classification (germline): Uncertain significance (1 of 4 stars; one submission).

Conditions:
Hereditary cancer-predisposing syndrome. Also called: Neoplastic Syndromes, Hereditary; Tumor predisposition; Hereditary neoplastic syndrome; Hereditary Cancer Syndrome. Identifiers: Orphanet 140162, MedGen C0027672, MeSH D009386, MONDO:0015356.

Submission:

Color Diagnostics, LLC DBA Color Health
Classification: Uncertain significance for Hereditary cancer-predisposing syndrome. Last evaluated: 2023-12-05. Review status: criteria provided, single submitter. Criteria: ACMG Guidelines, 2015. Collection method: clinical testing. Allele origin: germline.
Comment: This missense variant replaces tyrosine with cysteine at codon 22 of the BRIP1 protein. Computational prediction is inconclusive regarding the impact of this variant on protein structure and function (internally defined REVEL score threshold 0.5 < inconclusive < 0.7, PMID: 27666373). To our knowledge, functional studies have not been reported for this variant. This variant has not been reported in individuals affected with BRIP1-related disorders in the literature. This variant has not been identified in the general population by the Genome Aggregation Database (gnomAD). The available evidence is insufficient to determine the role of this variant in disease conclusively. Therefore, this variant is classified as a Variant of Uncertain Significance.

NM_032043.3(BRIP1):c.65A>G (p.Tyr22Cys)

Gene: BRIP1 (BRCA1 interacting DNA helicase 1; minus strand). Cytogenetic location: 17q23.2.
Variant type: single nucleotide variant.
Coding change: c.65A>G on transcript NM_032043.3 (MANE Select); coding-DNA position 65, A replaced by G.
Protein change: p.Tyr22Cys; replaces tyrosine 22 with cysteine.
Molecular consequence: missense variant.
Genome position (GRCh38, 1-based): chr17:61,861,475, T>C on the plus strand (A>G on the coding strand, the complement: BRIP1 is on the minus strand). VCF-style: chr17-61861475-T-C. GRCh37 (hg19) VCF-style: chr17-59938836-T-C.
Other names: short protein forms Y22C.
Identifiers: ClinVar variation 628160 (VCV000628160.5), dbSNP rs1567878117, ClinGen allele CA400485958.
Genomic context (GRCh38, chr17:61,861,475, plus strand): 5'-TAATAAAAACTTAACTGCTGAAAAATACTTACAGAATTCATCATAGCAAGCTGTGACGGG[T>C]AAGCTTTATAAGGAAAGTAAATCTTCACCCCACCAATTGTATATTCAGACCACATTGAAG-3'
Protein context (NP_114432.2, residues 12-32): GVKIYFPYKA[Tyr22Cys]PSQLAMMNSI